The following is an entry in ClinVar:

ClinVar aggregate classification (germline): Likely pathogenic (1 of 4 stars; one submission).

Conditions:
Bainbridge-Ropers syndrome. Also called: Severe feeding difficulties-failure to thrive-microcephaly due to ASXL3 deficiency syndrome. Identifiers: Orphanet 352577, MedGen C4750837, MONDO:0014205, OMIM 615485.

Submission:

Laboratorio de Genetica e Diagnostico Molecular, Hospital Israelita Albert Einstein
Classification: Likely pathogenic for Bainbridge-Ropers syndrome. Last evaluated: 2022-09-08. Review status: criteria provided, single submitter. Criteria: ACMG Guidelines, 2015. Collection method: clinical testing. Allele origin: germline. Affected: yes. Observed: 1 variant allele.
Comment: ACMG classification criteria: PVS1 strong, PM2 moderated

NM_030632.3(ASXL3):c.3511A>T (p.Lys1171Ter)

Gene: ASXL3 (ASXL transcriptional regulator 3; plus strand). Cytogenetic location: 18q12.1.
Variant type: single nucleotide variant.
Coding change: c.3511A>T on transcript NM_030632.3 (MANE Select); coding-DNA position 3511, A replaced by T.
Protein change: p.Lys1171Ter; replaces lysine 1171 with a stop codon.
Molecular consequence: nonsense.
Genome position (GRCh38, 1-based): chr18:33,743,359, A>T. VCF-style: chr18-33743359-A-T. GRCh37 (hg19) VCF-style: chr18-31323323-A-T.
Other names: short protein forms K1171*.
Identifiers: ClinVar variation 2431574 (VCV002431574.1), dbSNP rs2510925548, ClinGen allele CA402185498.